The following is an entry in ClinVar:

NM_001114134.2(EPB42):c.971+8_971+9delinsAA

Gene: EPB42 (erythrocyte membrane protein band 4.2; minus strand). Cytogenetic location: 15q15.2.
Variant type: Indel.
Coding change: c.971+8_971+9delinsAA on transcript NM_001114134.2 (MANE Select); bases 8 to 9 of the intron after coding-DNA position 971, GC replaced by AA.
Molecular consequence: intron variant.
Genome position (GRCh38, 1-based): chr15:43,208,628-43,208,629, GC replaced by TT on the plus strand (GC replaced by AA on the coding strand, the reverse complement: EPB42 is on the minus strand). VCF-style: chr15-43208628-GC-TT. GRCh37 (hg19) VCF-style: chr15-43500826-GC-TT.
Other names: c.1061+8_1061+9delinsAA (NM_000119.3); c.1061+8_1061+9delGCinsAA (NM_000119.3).
Identifiers: ClinVar variation 1163380 (VCV001163380.32), dbSNP rs2142290623, ClinGen allele CA2499222927.

ClinVar aggregate classification (germline): Conflicting classifications of pathogenicity. Review status: criteria provided, conflicting classifications (1 of 4 stars). 3 submissions from 3 submitters: Likely pathogenic (1); Uncertain significance (2). Last evaluated 2024-01-31.

Conditions:
Hereditary spherocytosis type 5. Also called: EPB42-Related Hereditary Spherocytosis; EPB42-Related Spherocytosis. Identifiers: Orphanet 822, MedGen C2675192, MONDO:0012985, OMIM 612690.

Submissions (3):

Women's Health and Genetics/Laboratory Corporation of America, LabCorp
Classification: Uncertain significance. Last evaluated: 2024-01-31. Review status: criteria provided, single submitter. Criteria: LabCorp Variant Classification Summary - May 2015. Collection method: clinical testing. Allele origin: germline.
Comment: Variant summary: EPB42 c.1061+8_1061+9delinsAA alters a nucleotide located close to a canonical splice site and therefore could affect mRNA splicing, leading to a significantly altered protein sequence. Consensus agreement among computational tools predict no significant impact on normal splicing. However, these predictions have yet to be confirmed by functional studies. The variant allele was found at a frequency of 4.2e-05 in 282864 control chromosomes (gnomAD). c.1061+8_1061+9delinsAA has been reported in the literature in an individual affected with Hereditary spherocytosis type 5 (Wang_2023). However, this report does not provide unequivocal conclusions about association of the variant with Hereditary spherocytosis type 5. To our knowledge, no experimental evidence demonstrating an impact on protein function has been reported. The following publication has been ascertained in the context of this evaluation (PMID: 36203343). ClinVar contains an entry for this variant (Variation ID: 1163380). Based on the evidence outlined above, the variant was classified as uncertain significance.

Jiangsu Institute of Hematology, the First Affiliated Hospital of Soochow University
Classification: Likely pathogenic for Hereditary spherocytosis type 5. Last evaluated: 2022-03-01. Review status: criteria provided, single submitter. Criteria: ACMG Guidelines, 2015. Collection method: research. Allele origin: inherited. Affected: yes.

Mayo Clinic Laboratories, Mayo Clinic
Classification: Uncertain significance. Last evaluated: 2020-04-06. Review status: criteria provided, single submitter. Criteria: ACMG Guidelines, 2015. Collection method: clinical testing. Allele origin: germline. Observed: 1 variant allele.

Literature cited by the submitters: PubMed 36203343 (cited by Women's Health and Genetics/Laboratory Corporation of America, LabCorp).